The following is an entry in ClinVar:

NM_032043.3(BRIP1):c.1982G>A (p.Cys661Tyr)

Gene: BRIP1 (BRCA1 interacting DNA helicase 1; minus strand). Cytogenetic location: 17q23.2.
Variant type: single nucleotide variant.
Coding change: c.1982G>A on transcript NM_032043.3 (MANE Select); coding-DNA position 1982, G replaced by A.
Protein change: p.Cys661Tyr; replaces cysteine 661 with tyrosine.
Molecular consequence: missense variant.
Genome position (GRCh38, 1-based): chr17:61,776,516, C>T on the plus strand (G>A on the coding strand, the complement: BRIP1 is on the minus strand). VCF-style: chr17-61776516-C-T. GRCh37 (hg19) VCF-style: chr17-59853877-C-T.
Other names: short protein forms C661Y.
Identifiers: ClinVar variation 479443 (VCV000479443.15), dbSNP rs1160736353, ClinGen allele CA400478478.
Genomic context (GRCh38, chr17:61,776,516, plus strand): 5'-AACAAAAGTGCTCCCACTTCATCTTGGAACTCAAATGTTTCAGTATTCTGGAAGGTAGCA[C>T]AGAGATTCCGACCCTTGGGGCCTGACCCAATGGTACCAACCCAAACCTAGAATATGAATA-3'
Protein context (NP_114432.2, residues 651-671): IGSGPKGRNL[Cys661Tyr]ATFQNTETFE

ClinVar aggregate classification (germline): Uncertain significance. Review status: criteria provided, multiple submitters, no conflicts (2 of 4 stars). 3 submissions from 3 submitters: Uncertain significance (2). 1 of the submissions does not count toward it. Last evaluated 2025-06-09.

Conditions:
Hereditary cancer-predisposing syndrome. Also called: Tumor predisposition; Neoplastic Syndromes, Hereditary; Hereditary Cancer Syndrome; Hereditary neoplastic syndrome. Identifiers: Orphanet 140162, MedGen C0027672, MeSH D009386, MONDO:0015356.
Fanconi anemia complementation group J. Also called: BRIP1-Related Fanconi Anemia. Identifiers: Orphanet 84, MedGen C1836860, MONDO:0012187, OMIM 609054.
Familial cancer of breast. Also called: BREAST CANCER, FAMILIAL; Hereditary breast cancer; hereditary breast carcinoma. Identifiers: Orphanet 227535, MedGen C0346153, MONDO:0016419, OMIM 114480. Disease mechanism: loss of function.

Submissions (3):

Ambry Genetics
Classification: Uncertain significance for Hereditary cancer-predisposing syndrome. Last evaluated: 2025-06-09. Review status: criteria provided, single submitter. Criteria: Ambry Variant Classification Scheme 2023. Collection method: clinical testing. Allele origin: germline.
Comment: The p.C661Y variant (also known as c.1982G>A), located in coding exon 13 of the BRIP1 gene, results from a G to A substitution at nucleotide position 1982. The cysteine at codon 661 is replaced by tyrosine, an amino acid with highly dissimilar properties. This amino acid position is well conserved in available vertebrate species. In addition, this alteration is predicted to be deleterious by in silico analysis. Based on the available evidence, the clinical significance of this variant remains unclear.

Labcorp Genetics (formerly Invitae), Labcorp
Classification: Uncertain significance for Familial cancer of breast; Fanconi anemia complementation group J. Last evaluated: 2022-07-12. Review status: criteria provided, single submitter. Criteria: Invitae Variant Classification Sherloc (09022015). Collection method: clinical testing. Allele origin: germline.
Comment: This variant is not present in population databases (gnomAD no frequency). In summary, the available evidence is currently insufficient to determine the role of this variant in disease. Therefore, it has been classified as a Variant of Uncertain Significance. Algorithms developed to predict the effect of missense changes on protein structure and function are either unavailable or do not agree on the potential impact of this missense change (SIFT: "Tolerated"; PolyPhen-2: "Probably Damaging"; Align-GVGD: "Class C0"). ClinVar contains an entry for this variant (Variation ID: 479443). This variant has not been reported in the literature in individuals affected with BRIP1-related conditions. This sequence change replaces cysteine, which is neutral and slightly polar, with tyrosine, which is neutral and polar, at codon 661 of the BRIP1 protein (p.Cys661Tyr).

True Health Diagnostics
Classification: Uncertain significance for Hereditary cancer-predisposing syndrome. Last evaluated: 2018-06-18. Review status: no assertion criteria provided. Collection method: clinical testing. Allele origin: germline. Not counted in ClinVar's aggregate classification.